The following is an entry in ClinVar:

NM_031229.4(RBCK1):c.916A>C (p.Arg306=)

Gene: RBCK1 (RANBP2-type and C3HC4-type zinc finger containing 1; plus strand). Cytogenetic location: 20p13.
Variant type: single nucleotide variant.
Coding change: c.916A>C on transcript NM_031229.4 (MANE Select); coding-DNA position 916, A replaced by C.
Protein change: p.Arg306=; no amino-acid change (arginine 306 retained).
Molecular consequence: synonymous variant. On other transcripts: intron variant (2).
Genome position (GRCh38, 1-based): chr20:421,030, A>C. VCF-style: chr20-421030-A-C. GRCh37 (hg19) VCF-style: chr20-401674-A-C.
Other names: c.790A>C, p.Arg264= (NM_006462.6); c.408-1097A>C (NM_001323956.2, NM_001323958.2).
Identifiers: ClinVar variation 662338 (VCV000662338.6), dbSNP rs1438078445, ClinGen allele CA509312976.
Genomic context (GRCh38, chr20:421,030, plus strand): 5'-TACTCGGTGCTGGCGCCCGGCGAGGCCGTGGTGCTGCGTGAGTGTCTGCACACCTTCTGC[A>C]GGTGCGGCCCCCAGTCCCACCCCCGGCAATGCAGCTTAATCAAAGCCGCCAATTACGCAG-3'
Protein context (NP_112506.2, residues 296-316): VLRECLHTFC[Arg306=]ECLQGTIRNS

ClinVar aggregate classification (germline): Uncertain significance (1 of 4 stars; one submission).

Conditions:
Polyglucosan body myopathy type 1 (PGBM1). Also called: Polyglucosan body myopathy 1 with or without immunodeficiency; POLYGLUCOSAN BODY MYOPATHY WITHOUT IMMUNODEFICIENCY. Identifiers: Orphanet 329173, Orphanet 397937, MedGen C4014605, MONDO:0014389, OMIM 615895.

Allele frequency attached by ClinVar (database versions not stated): gnomAD exomes below 0.00001 and 0.00001; TOPMed below 0.00001.
gnomAD v4.1: 5 of 1,549,550 alleles (0.00032%); highest among the groups gnomAD compares: Admixed American, 0.0056%; no homozygotes.

Submission:

Labcorp Genetics (formerly Invitae), Labcorp
Classification: Uncertain significance for Polyglucosan body myopathy type 1. Last evaluated: 2022-06-03. Review status: criteria provided, single submitter. Criteria: Invitae Variant Classification Sherloc (09022015). Collection method: clinical testing. Allele origin: germline.
Comment: This sequence change affects codon 306 of the RBCK1 mRNA. It is a 'silent' change, meaning that it does not change the encoded amino acid sequence of the RBCK1 protein. It affects a nucleotide within the consensus splice site. The frequency data for this variant in the population databases is considered unreliable, as metrics indicate poor data quality at this position in the gnomAD database. This variant has not been reported in the literature in individuals affected with RBCK1-related conditions. ClinVar contains an entry for this variant (Variation ID: 662338). Algorithms developed to predict the effect of sequence changes on RNA splicing suggest that this variant may disrupt the consensus splice site. In summary, the available evidence is currently insufficient to determine the role of this variant in disease. Therefore, it has been classified as a Variant of Uncertain Significance.